The following is an entry in ClinVar:

NM_001283009.2(RTEL1):c.2275C>A (p.Pro759Thr)

Genes: RTEL1 (regulator of telomere elongation helicase 1; plus strand), RTEL1-TNFRSF6B (RTEL1-TNFRSF6B readthrough (NMD candidate); plus strand). Cytogenetic location: 20q13.33.
Variant type: single nucleotide variant.
Coding change: c.2275C>A on transcript NM_001283009.2 (MANE Select); coding-DNA position 2275, C replaced by A.
Protein change: p.Pro759Thr; replaces proline 759 with threonine.
Molecular consequence: missense variant. On other transcripts: non-coding transcript variant (1).
Genome position (GRCh38, 1-based): chr20:63,690,303, C>A. VCF-style: chr20-63690303-C-A. GRCh37 (hg19) VCF-style: chr20-62321656-C-A.
Other names: c.1606C>A, p.Pro536Thr (NM_001283010.1); c.2275C>A, p.Pro759Thr (NM_016434.4); c.2347C>A, p.Pro783Thr (NM_032957.5); short protein forms P759T, P783T, P536T.
Identifiers: ClinVar variation 4844092 (VCV004844092.1).
Genomic context (GRCh38, chr20:63,690,303, plus strand): 5'-TTGTCCCCAGAGGAGCCAGAAATGGGTCCACCCACCCCCATGGTTCTGCAGATGCCAGCG[C>A]CGGCCCCCCGGGCTACAGCACCCAGTGTGCGTGGAGAAGATGCTGTCAGCGAGGCCAAGT-3'
Protein context (NP_001269938.1, residues 749-769): FRVAERTMPA[Pro759Thr]APRATAPSVR

ClinVar aggregate classification (germline): Uncertain significance (1 of 4 stars; one submission).

Conditions:
Inborn genetic diseases. Identifiers: MedGen C0950123, MeSH D030342.

Submission:

Ambry Genetics
Classification: Uncertain significance for Inborn genetic diseases. Last evaluated: 2026-01-14. Review status: criteria provided, single submitter. Criteria: Ambry Variant Classification Scheme 2023. Collection method: clinical testing. Allele origin: germline.
Comment: The p.P759T variant (also known as c.2275C>A), located in coding exon 25 of the RTEL1 gene, results from a C to A substitution at nucleotide position 2275. The proline at codon 759 is replaced by threonine, an amino acid with highly similar properties. This amino acid position is conserved. In addition, this alteration is predicted to be tolerated by in silico analysis. Based on the available evidence, the clinical significance of this variant remains unclear.